The following is an entry in ClinVar:

ClinVar aggregate classification (germline): Uncertain significance (1 of 4 stars; one submission).

gnomAD v4.1: 12 of 1,546,464 alleles (0.00078%); highest among the groups gnomAD compares: Admixed American, 0.0098%; no homozygotes.

Submission:

Ambry Genetics
Classification: Uncertain significance. Last evaluated: 2024-07-09. Review status: criteria provided, single submitter. Criteria: Ambry Variant Classification Scheme 2023. Collection method: clinical testing. Allele origin: germline.
Comment: The c.2742G>A (p.M914I) alteration is located in exon (coding exon ) of the PARG gene. This alteration results from a G to A substitution at nucleotide position 2742, causing the methionine (M) at amino acid position 914 to be replaced by an isoleucine (I). Based on insufficient or conflicting evidence, the clinical significance of this alteration remains unclear.

NM_003631.5(PARG):c.2742G>A (p.Met914Ile)

Gene: PARG (poly(ADP-ribose) glycohydrolase; minus strand). Cytogenetic location: 10q11.23.
Variant type: single nucleotide variant.
Coding change: c.2742G>A on transcript NM_003631.5 (MANE Select); coding-DNA position 2742, G replaced by A.
Protein change: p.Met914Ile; replaces methionine 914 with isoleucine.
Molecular consequence: missense variant. On other transcripts: non-coding transcript variant (7).
Genome position (GRCh38, 1-based): chr10:49,820,199, C>T on the plus strand (G>A on the coding strand, the complement: PARG is on the minus strand). VCF-style: chr10-49820199-C-T. GRCh37 (hg19) VCF-style: chr10-51028245-C-T.
Other names: c.2496G>A, p.Met832Ile (NM_001303486.3, NM_001324381.3); c.2418G>A, p.Met806Ile (NM_001303487.3); c.1500G>A, p.Met500Ile (NM_001303489.3); short protein forms M914I, M500I, M806I, M832I.
Identifiers: ClinVar variation 3414152 (VCV003414152.1).